The following is an entry in ClinVar:

NM_001987.5(ETV6):c.718A>G (p.Met240Val)

Gene: ETV6 (ETS variant transcription factor 6; plus strand). Cytogenetic location: 12p13.2.
Variant type: single nucleotide variant.
Coding change: c.718A>G on transcript NM_001987.5 (MANE Select); coding-DNA position 718, A replaced by G.
Protein change: p.Met240Val; replaces methionine 240 with valine.
Molecular consequence: missense variant.
Genome position (GRCh38, 1-based): chr12:11,869,678, A>G. VCF-style: chr12-11869678-A-G. GRCh37 (hg19) VCF-style: chr12-12022612-A-G.
Other names: c.715A>G, p.Met239Val (NM_001413913.1); c.691A>G, p.Met231Val (NM_001413914.1); c.454A>G, p.Met152Val (NM_001413915.1); c.718A>G, p.Met240Val (NM_001413916.1, NM_001413917.1); short protein forms M152V, M231V, M239V, M240V.
Identifiers: ClinVar variation 1801204 (VCV001801204.4), dbSNP rs775539045, ClinGen allele CA6454319.
Genomic context (GRCh38, chr12:11,869,678, plus strand): 5'-GGACCCAGGCCGCACCAGGAGAACAACCACCAGGAGTCCTACCCTCTGTCAGTGTCTCCC[A>G]TGGAGAATAATCACTGCCCAGCGTCCTCCGAGTCCCACCCGAAGCCATCCAGCCCCCGGC-3'
Protein context (NP_001978.1, residues 230-250): QESYPLSVSP[Met240Val]ENNHCPASSE

ClinVar aggregate classification (germline): Conflicting classifications of pathogenicity. Review status: criteria provided, conflicting classifications (1 of 4 stars). 3 submissions from 3 submitters: Uncertain significance (2); Likely benign (1). Last evaluated 2024-12-20.

Conditions:
Inborn genetic diseases. Identifiers: MedGen C0950123, MeSH D030342.

Allele frequency attached by ClinVar (database versions not stated): gnomAD exomes below 0.00001; ExAC 0.00001; gnomAD 0.00001; TOPMed 0.00001.
gnomAD v4.1: 4 of 1,613,964 alleles (0.00025%); highest among the groups gnomAD compares: Non-Finnish European, 0.00034%; no homozygotes.

Submissions (3):

Ambry Genetics
Classification: Likely benign for Inborn genetic diseases. Last evaluated: 2024-12-20. Review status: criteria provided, single submitter. Criteria: Ambry Variant Classification Scheme 2023. Collection method: clinical testing. Allele origin: germline.

Labcorp Genetics (formerly Invitae), Labcorp
Classification: Uncertain significance. Last evaluated: 2024-03-13. Review status: criteria provided, single submitter. Criteria: Invitae Variant Classification Sherloc (09022015). Collection method: clinical testing. Allele origin: germline.
Comment: This sequence change replaces methionine, which is neutral and non-polar, with valine, which is neutral and non-polar, at codon 240 of the ETV6 protein (p.Met240Val). This variant is present in population databases (rs775539045, gnomAD 0.005%). This variant has not been reported in the literature in individuals affected with ETV6-related conditions. ClinVar contains an entry for this variant (Variation ID: 1801204). Advanced modeling of protein sequence and biophysical properties (such as structural, functional, and spatial information, amino acid conservation, physicochemical variation, residue mobility, and thermodynamic stability) performed at Invitae indicates that this missense variant is not expected to disrupt ETV6 protein function with a negative predictive value of 80%. In summary, the available evidence is currently insufficient to determine the role of this variant in disease. Therefore, it has been classified as a Variant of Uncertain Significance.

GeneDx
Classification: Uncertain significance. Last evaluated: 2022-11-17. Review status: criteria provided, single submitter. Criteria: GeneDx Variant Classification Process June 2021. Collection method: clinical testing. Allele origin: germline. Affected: yes.
Comment: Not observed at significant frequency in large population cohorts (gnomAD); In silico analysis supports that this missense variant does not alter protein structure/function; Has not been previously published as pathogenic or benign to our knowledge; This variant is associated with the following publications: (PMID: 28555414, 28637624)